The following is an entry in ClinVar:

NM_004565.3(PEX14):c.36+6G>T

Gene: PEX14 (peroxisomal biogenesis factor 14; plus strand). Cytogenetic location: 1p36.22.
Variant type: single nucleotide variant.
Coding change: c.36+6G>T on transcript NM_004565.3 (MANE Select); 6 bases into the intron after coding-DNA position 36, G replaced by T.
Molecular consequence: intron variant.
Genome position (GRCh38, 1-based): chr1:10,475,008, G>T. VCF-style: chr1-10475008-G-T. GRCh37 (hg19) VCF-style: chr1-10535065-G-T.
Other names: c.36+6G>T (NM_004565.2).
Identifiers: ClinVar variation 595941 (VCV000595941.10), dbSNP rs369035854, ClinGen allele CA583664.

ClinVar aggregate classification (germline): Conflicting classifications of pathogenicity. Review status: criteria provided, conflicting classifications (1 of 4 stars). 4 submissions from 4 submitters: Uncertain significance (3); Likely benign (1). Last evaluated 2025-01-27.

Conditions:
Peroxisome biogenesis disorder, complementation group K (CGK). Identifiers: MedGen C1866257, MONDO:0800365.
PEX14-related disorder. Also called: PEX14-related condition.

Allele frequency attached by ClinVar (database versions not stated): gnomAD exomes 0.00003 and 0.00005; ESP Exome Variant Server 0.00008; ExAC 0.00012; gnomAD 0.00001; TOPMed 0.00001.

Submissions (4):

Women's Health and Genetics/Laboratory Corporation of America, LabCorp
Classification: Uncertain significance. Last evaluated: 2025-01-27. Review status: criteria provided, single submitter. Criteria: LabCorp Variant Classification Summary - May 2015. Collection method: clinical testing. Allele origin: germline.

PreventionGenetics, part of Exact Sciences
Classification: Likely benign for PEX14-related condition. Last evaluated: 2024-10-25. Review status: criteria provided, single submitter. Criteria: ACMG Guidelines, 2015. Collection method: clinical testing. Allele origin: germline.
Comment: This variant is classified as likely benign based on ACMG/AMP sequence variant interpretation guidelines (Richards et al. 2015 PMID: 25741868, with internal and published modifications).

Labcorp Genetics (formerly Invitae), Labcorp
Classification: Uncertain significance for Peroxisome biogenesis disorder, complementation group K. Last evaluated: 2023-11-27. Review status: criteria provided, single submitter. Criteria: Invitae Variant Classification Sherloc (09022015). Collection method: clinical testing. Allele origin: germline.
Comment: This sequence change falls in intron 1 of the PEX14 gene. It does not directly change the encoded amino acid sequence of the PEX14 protein. It affects a nucleotide within the consensus splice site. This variant is present in population databases (rs369035854, gnomAD 0.03%). This variant has not been reported in the literature in individuals affected with PEX14-related conditions. ClinVar contains an entry for this variant (Variation ID: 595941). Variants that disrupt the consensus splice site are a relatively common cause of aberrant splicing (PMID: 17576681, 9536098). Algorithms developed to predict the effect of sequence changes on RNA splicing suggest that this variant is not likely to affect RNA splicing. In summary, the available evidence is currently insufficient to determine the role of this variant in disease. Therefore, it has been classified as a Variant of Uncertain Significance.

Eurofins Ntd Llc (ga)
Classification: Uncertain significance. Last evaluated: 2018-01-30. Review status: criteria provided, single submitter. Criteria: EGL Classification Definitions 2015. Collection method: clinical testing. Allele origin: germline. Observed: 1 variant allele, 1 heterozygote.

Literature cited by the submitters: PubMed 17576681 (cited by Labcorp Genetics (formerly Invitae), Labcorp); PubMed 9536098 (cited by Labcorp Genetics (formerly Invitae), Labcorp).